The following is an entry in ClinVar:

ClinVar aggregate classification (germline): Uncertain significance (1 of 4 stars; one submission).

Conditions:
PLXNA3-related disorder. Also called: PLXNA3-related condition.

gnomAD v4.1: 27 of 1,208,831 alleles (0.0022%); highest among the groups gnomAD compares: East Asian, 0.018%; no homozygotes.

Submission:

PreventionGenetics, part of Exact Sciences
Classification: Uncertain significance for PLXNA3-related condition. Last evaluated: 2026-05-28. Review status: criteria provided, single submitter. Criteria: ACMG Guidelines, 2015. Collection method: clinical testing. Allele origin: germline.
Comment: The PLXNA3 c.1693G>A variant is predicted to result in the amino acid substitution p.Val565Met. To our knowledge, this variant has not been reported in the literature. This variant is reported in 0.028% of alleles in individuals of East Asian descent in gnomAD. At this time, the clinical significance of this variant is uncertain due to the absence of conclusive functional and genetic evidence.

NM_017514.5(PLXNA3):c.1693G>A (p.Val565Met)

Gene: PLXNA3 (plexin A3; plus strand). Cytogenetic location: Xq28.
Variant type: single nucleotide variant.
Coding change: c.1693G>A on transcript NM_017514.5 (MANE Select); coding-DNA position 1693, G replaced by A.
Protein change: p.Val565Met; replaces valine 565 with methionine.
Molecular consequence: missense variant.
Genome position (GRCh38, 1-based): chrX:154,464,178, G>A. VCF-style: chrX-154464178-G-A. GRCh37 (hg19) VCF-style: chrX-153692521-G-A.
Other names: short protein forms V565M.
Identifiers: ClinVar variation 4989188 (VCV004989188.1).